The following is an entry in ClinVar:

NM_000298.6(PKLR):c.1129A>G (p.Met377Val)

Gene: PKLR (pyruvate kinase L/R; minus strand). Cytogenetic location: 1q22.
Variant type: single nucleotide variant.
Coding change: c.1129A>G on transcript NM_000298.6 (MANE Select); coding-DNA position 1129, A replaced by G.
Protein change: p.Met377Val; replaces methionine 377 with valine.
Molecular consequence: missense variant.
Genome position (GRCh38, 1-based): chr1:155,293,578, T>C on the plus strand (A>G on the coding strand, the complement: PKLR is on the minus strand). VCF-style: chr1-155293578-T-C. GRCh37 (hg19) VCF-style: chr1-155263369-T-C.
Other names: c.1036A>G, p.Met346Val (NM_181871.4); short protein forms M346V, M377V.
Identifiers: ClinVar variation 2434888 (VCV002434888.4), dbSNP rs2525282622, ClinGen allele CA342753023.

ClinVar aggregate classification (germline): Conflicting classifications of pathogenicity. Review status: criteria provided, conflicting classifications (1 of 4 stars). 2 submissions from 2 submitters: Likely pathogenic (1); Uncertain significance (1). Last evaluated 2026-04-07.

Conditions:
Pyruvate kinase deficiency of red cells (CNSHA2). Also called: PK DEFICIENCY; PYRUVATE KINASE DEFICIENCY OF ERYTHROCYTE; Pyruvate kinase deficiency, Amish type. Identifiers: Orphanet 766, MedGen C0340968, MONDO:0009950, OMIM 266200.

Allele frequency attached by ClinVar (database versions not stated): gnomAD exomes below 0.00001.
gnomAD v4.1: 2 of 1,614,174 alleles (0.00012%); highest among the groups gnomAD compares: Non-Finnish European, 0.00017%; no homozygotes.

Submissions (2):

Centre for Medical Genetics,  Mumbai
Classification: Likely pathogenic for Pyruvate kinase deficiency of red cells. Last evaluated: 2026-04-07. Review status: criteria provided, single submitter. Criteria: ACMG Guidelines, 2015. Collection method: provider interpretation. Allele origin: germline. Inheritance: Autosomal recessive inheritance. Affected: yes. Observed: 1 variant allele, 1 homozygote.
Comment: The variant satisfies PM1 criteria: non-truncating non-synonymous variant is located in a mutational hot spot and/or critical and well-established functional domain, 18 pathogenic or likely pathogenic reported variants were found in a 153bp region surrounding this variant in exon 8 within the region 155263228-155263381 without any missense benign variants; PM2 criteria: absent in gnomAD database, PP2 criteria: missense variant in a gene with low rate of benign missense mutations and for which missense mutation is a common mechanism of a disease, three times more pathogenic variants than benign variant for curated missense variants in this gene, PP3 criteria: for a missense or a splicing region variant, computational prediction tools unanimously support a deleterious effect on the gene, aggregated score: 0.987

Revvity Omics, Revvity
Classification: Uncertain significance. Last evaluated: 2022-06-15. Review status: criteria provided, single submitter. Criteria: ACMG Guidelines, 2015. Collection method: clinical testing. Allele origin: germline.

Literature cited by the submitters: PubMed 1896471 (cited by Centre for Medical Genetics,  Mumbai).